The following is an entry in ClinVar:

ClinVar aggregate classification (germline): Uncertain significance (1 of 4 stars; one submission).

Conditions:
Cardiovascular phenotype. Identifiers: MedGen CN230736.

Submission:

Ambry Genetics
Classification: Uncertain significance for Cardiovascular phenotype. Last evaluated: 2025-01-13. Review status: criteria provided, single submitter. Criteria: Ambry Variant Classification Scheme 2023. Collection method: clinical testing. Allele origin: germline.
Comment: The p.V2888M variant (also known as c.8662G>A), located in coding exon 24 of the TNXB gene, results from a G to A substitution at nucleotide position 8662. The valine at codon 2888 is replaced by methionine, an amino acid with highly similar properties. This amino acid position is highly conserved in available vertebrate species. In addition, this alteration is predicted to be tolerated by in silico analysis. Based on the available evidence, the clinical significance of this variant remains unclear.

NM_001365276.2(TNXB):c.8668G>A (p.Val2890Met)

Gene: TNXB (tenascin XB; minus strand). Cytogenetic location: 6p21.33.
Variant type: single nucleotide variant.
Coding change: c.8668G>A on transcript NM_001365276.2 (MANE Select); coding-DNA position 8668, G replaced by A.
Protein change: p.Val2890Met; replaces valine 2890 with methionine.
Molecular consequence: missense variant.
Genome position (GRCh38, 1-based): chr6:32,053,511, C>T on the plus strand (G>A on the coding strand, the complement: TNXB is on the minus strand). VCF-style: chr6-32053511-C-T. GRCh37 (hg19) VCF-style: chr6-32021288-C-T.
Other names: c.9409G>A, p.Val3137Met (NM_001428335.1); c.8662G>A, p.Val2888Met (NM_019105.8); short protein forms V2888M, V2890M, V3137M.
Identifiers: ClinVar variation 3809301 (VCV003809301.1).
Genomic context (GRCh38, chr6:32,053,511, plus strand): 5'-TCTTGTACTTGTGGTCTGGCTCCAGGCCTGAGATGGTGACCCCGTCCTCGTGCCCCGGCA[C>T]CCGCACCACCTTGGGCTGCCCATCCCCATTCCTGTACTGGACCAGGAAGTGGTCAAACTG-3'
Protein context (NP_001352205.1, residues 2880-2900): NGDGQPKVVR[Val2890Met]PGHEDGVTIS